The following is an entry in ClinVar:

ClinVar aggregate classification (germline): Uncertain significance (1 of 4 stars; one submission).

Conditions:
Dilated cardiomyopathy 1AA (CMD1AA). Also called: Cardiomyopathy, dilated, 1AA, with or without LVNC; CARDIOMYOPATHY, DILATED, 1AA, WITH OR WITHOUT LEFT VENTRICULAR NONCOMPACTION; CARDIOMYOPATHY, FAMILIAL HYPERTROPHIC, 23, WITH OR WITHOUT LEFT VENTRICULAR NONCOMPACTION. Identifiers: Orphanet 154, MedGen C2677338, MONDO:0012808, OMIM 612158.
Primary familial hypertrophic cardiomyopathy (HCM). Identifiers: Orphanet 99739, MedGen C0949658, MeSH D024741, MONDO:0024573. Inheritance: Various modes of inheritance.

Submission:

Labcorp Genetics (formerly Invitae), Labcorp
Classification: Uncertain significance for Primary familial hypertrophic cardiomyopathy; Dilated cardiomyopathy 1AA. Last evaluated: 2017-10-22. Review status: criteria provided, single submitter. Criteria: Invitae Variant Classification Sherloc (09022015). Collection method: clinical testing. Allele origin: germline.
Comment: This sequence change replaces threonine with lysine at codon 495 of the ACTN2 protein (p.Thr495Lys). The threonine residue is highly conserved and there is a moderate physicochemical difference between threonine and lysine. This variant is not present in population databases (ExAC no frequency) and has not been reported in the literature in individuals with a ACTN2-related disease. Algorithms developed to predict the effect of missense changes on protein structure and function (SIFT, PolyPhen-2, Align-GVGD) all suggest that this variant is likely to be disruptive, but these predictions have not been confirmed by published functional studies. In summary, this variant is a novel missense change with uncertain impact on protein function. It has been classified as a Variant of Uncertain Significance.

NM_001103.4(ACTN2):c.1484C>A (p.Thr495Lys)

Gene: ACTN2 (actinin alpha 2; plus strand). Cytogenetic location: 1q43.
Variant type: single nucleotide variant.
Coding change: c.1484C>A on transcript NM_001103.4 (MANE Select); coding-DNA position 1484, C replaced by A.
Protein change: p.Thr495Lys; replaces threonine 495 with lysine.
Molecular consequence: missense variant.
Genome position (GRCh38, 1-based): chr1:236,747,744, C>A. VCF-style: chr1-236747744-C-A. GRCh37 (hg19) VCF-style: chr1-236911044-C-A.
Other names: c.1484C>A, p.Thr495Lys (NM_001278343.2); c.860C>A, p.Thr287Lys (NM_001278344.2); short protein forms T495K, T287K.
Identifiers: ClinVar variation 463194 (VCV000463194.9), dbSNP rs200248944, ClinGen allele CA345384135.